The following continues an entry in ClinVar:

NM_000363.5(TNNI3):c.592C>G (p.Leu198Val)

Gene: TNNI3. ClinVar aggregate classification (germline): Pathogenic/Likely pathogenic. Pathogenic (2); Likely pathogenic (6).

Submission 8 of 8:

Laboratory for Molecular Medicine, Mass General Brigham Personalized Medicine
Classification: Likely pathogenic for Hypertrophic cardiomyopathy. Last evaluated: 2021-09-07. Review status: criteria provided, single submitter. Criteria: ACMG Guidelines, 2015. Collection method: clinical testing. Allele origin: germline. Inheritance: Autosomal dominant inheritance.
Comment: The p.Leu198Val variant in TNNI3 has been reported in at least 11 individuals with hypertrophic cardiomyopathy (HCM) and segregated with HCM in 5 affected relatives from 4 families (Maron 2012 PMID: 21839045, Otsuka 2012 PMID: 22112859, Arad 2014 PMID: 25558701, Coppini 2014 PMID: 25524337, Lopes 2013 PMID: 23396983, LMM data, Invitae pers. comm, GeneDx pers. comm.). Some adult relatives of two of these individuals who were heterozygous carriers of this variant were not reported to have HCM, suggesting reduced penetrance (CHEO pers. comm., Invitae pers. comm.). It has also been identified in 0.01% (1/10072) of Ashkenazi Jewish chromosomes by gnomAD but was absent from all other populations. Splice prediction tools suggest the creation of a cryptic 5' splice site; however, this information is not predictive enough to determine pathogenicity. Additional computational prediction tools and conservation analyses do not provide strong support for or against an impact to the protein. In summary, although additional studies are required to fully establish its clinical significance, this variant meets criteria to be classified as likely pathogenic for autosomal dominant HCM, with possibly reduced penetrance. ACMG/AMP Criteria applied: PS4, PP1_Moderate, PM2_Supporting.

Literature cited by the submitters: PubMed 21839045 (cited by 5 submitters); PubMed 22112859 (cited by 5 submitters); PubMed 25524337 (cited by 4 submitters); PubMed 27532257 (cited by 5 submitters); PubMed 32746448 (cited by 3 submitters); PubMed 33777698 (cited by 4 submitters); PubMed 37089884 (cited by Labcorp Genetics (formerly Invitae), Labcorp and Color Diagnostics, LLC DBA Color Health); PubMed 15698845 (cited by Labcorp Genetics (formerly Invitae), Labcorp); PubMed 19033660 (cited by Ambry Genetics and Laboratory for Molecular Medicine, Mass General Brigham Personalized Medicine); PubMed 19754353 (cited by Ambry Genetics and Laboratory for Molecular Medicine, Mass General Brigham Personalized Medicine); PubMed 25351510 (cited by Ambry Genetics and Color Diagnostics, LLC DBA Color Health); PubMed 25558701 (cited by 4 submitters); PubMed 32481709 (cited by Ambry Genetics and Color Diagnostics, LLC DBA Color Health); PubMed 25611685 (cited by Color Diagnostics, LLC DBA Color Health); PubMed 28087566 (cited by Color Diagnostics, LLC DBA Color Health and Victorian Clinical Genetics Services, Murdoch Childrens Research Institute); PubMed 29710196 (cited by Color Diagnostics, LLC DBA Color Health); PubMed 29875424 (cited by Color Diagnostics, LLC DBA Color Health); PubMed 30297972 (cited by Color Diagnostics, LLC DBA Color Health); PubMed 33495597 (cited by Color Diagnostics, LLC DBA Color Health); PubMed 34556856 (cited by Color Diagnostics, LLC DBA Color Health); PubMed 15070570 (cited by Victorian Clinical Genetics Services, Murdoch Childrens Research Institute); PubMed 15607392 (cited by Victorian Clinical Genetics Services, Murdoch Childrens Research Institute); PubMed 19914256 (cited by Victorian Clinical Genetics Services, Murdoch Childrens Research Institute and Laboratory for Molecular Medicine, Mass General Brigham Personalized Medicine); PubMed 21533915 (cited by Victorian Clinical Genetics Services, Murdoch Childrens Research Institute); PubMed 23270746 (cited by Victorian Clinical Genetics Services, Murdoch Childrens Research Institute); PubMed 23396983 (cited by Victorian Clinical Genetics Services, Murdoch Childrens Research Institute and Laboratory for Molecular Medicine, Mass General Brigham Personalized Medicine).